The following is an entry in ClinVar:

NM_000051.4(ATM):c.3409A>G (p.Ser1137Gly)

Gene: ATM (ATM serine/threonine kinase; plus strand). Cytogenetic location: 11q22.3.
Variant type: single nucleotide variant.
Coding change: c.3409A>G on transcript NM_000051.4 (MANE Select); coding-DNA position 3409, A replaced by G.
Protein change: p.Ser1137Gly; replaces serine 1137 with glycine.
Molecular consequence: missense variant.
Genome position (GRCh38, 1-based): chr11:108,281,001, A>G. VCF-style: chr11-108281001-A-G. GRCh37 (hg19) VCF-style: chr11-108151728-A-G.
Other names: c.3409A>G, p.Ser1137Gly (NM_001351834.2); short protein forms S1137G.
Identifiers: ClinVar variation 3013016 (VCV003013016.3), dbSNP rs2135665417, ClinGen allele CA382518860.

ClinVar aggregate classification (germline): Uncertain significance (1 of 4 stars; one submission).

Conditions:
Ataxia-telangiectasia syndrome (AT). Also called: LOUIS-BAR SYNDROME; Cerebello-oculocutaneous telangiectasia; Immunodeficiency with ataxia telangiectasia; Ataxia-telangiectasia, complementation group D; Ataxia-telangiectasia, complementation group E; Ataxia telangiectasia (A-T). Identifiers: Orphanet 100, MedGen C0004135, MONDO:0008840, OMIM 208900.

Submission:

Labcorp Genetics (formerly Invitae), Labcorp
Classification: Uncertain significance for Ataxia-telangiectasia syndrome. Last evaluated: 2024-01-06. Review status: criteria provided, single submitter. Criteria: Invitae Variant Classification Sherloc (09022015). Collection method: clinical testing. Allele origin: germline.
Comment: This sequence change replaces serine, which is neutral and polar, with glycine, which is neutral and non-polar, at codon 1137 of the ATM protein (p.Ser1137Gly). This variant is not present in population databases (gnomAD no frequency). This variant has not been reported in the literature in individuals affected with ATM-related conditions. Algorithms developed to predict the effect of missense changes on protein structure and function output the following: SIFT: "Not Available"; PolyPhen-2: "Benign"; Align-GVGD: "Not Available". The glycine amino acid residue is found in multiple mammalian species, which suggests that this missense change does not adversely affect protein function. In summary, the available evidence is currently insufficient to determine the role of this variant in disease. Therefore, it has been classified as a Variant of Uncertain Significance.